The following is an entry in ClinVar:

ClinVar aggregate classification (germline): Uncertain significance. Review status: criteria provided, multiple submitters, no conflicts (2 of 4 stars). 3 submissions from 3 submitters: Uncertain significance (3). Last evaluated 2026-02-01.

Conditions:
Atrial fibrillation, familial, 18 (ATFB18). Identifiers: MedGen C4310636, MONDO:0015001, OMIM 617280.

Allele frequency attached by ClinVar (database versions not stated): TOPMed 0.00003; ExAC 0.00004; gnomAD 0.00004 and 0.00003; gnomAD exomes 0.00006; ESP Exome Variant Server 0.00008.

Submissions (3):

Labcorp Genetics (formerly Invitae), Labcorp
Classification: Uncertain significance for Atrial fibrillation, familial, 18. Last evaluated: 2026-02-01. Review status: criteria provided, single submitter. Criteria: Invitae Variant Classification Sherloc (09022015). Collection method: clinical testing. Allele origin: germline.
Comment: This sequence change replaces arginine, which is basic and polar, with histidine, which is basic and polar, at codon 140 of the MYL4 protein (p.Arg140His). This variant is present in population databases (rs374127769, gnomAD 0.01%). This variant has not been reported in the literature in individuals affected with MYL4-related conditions. ClinVar contains an entry for this variant (Variation ID: 476204). An algorithm developed to predict the effect of missense changes on protein structure and function (PolyPhen-2) suggests that this variant is likely to be disruptive. In summary, the available evidence is currently insufficient to determine the role of this variant in disease. Therefore, it has been classified as a Variant of Uncertain Significance.

Ambry Genetics
Classification: Uncertain significance. Last evaluated: 2024-04-24. Review status: criteria provided, single submitter. Criteria: Ambry Variant Classification Scheme 2023. Collection method: clinical testing. Allele origin: germline.

Stanford Center for Inherited Cardiovascular Disease, Stanford University
Classification: Uncertain significance. Last evaluated: 2017-10-13. Review status: criteria provided, single submitter. Criteria: ACMG Guidelines, 2015. Collection method: provider interpretation. Allele origin: germline.

NM_002476.2(MYL4):c.419G>A (p.Arg140His)

Gene: MYL4 (myosin light chain 4; plus strand). Cytogenetic location: 17q21.32.
Variant type: single nucleotide variant.
Coding change: c.419G>A on transcript NM_002476.2 (MANE Select); coding-DNA position 419, G replaced by A.
Protein change: p.Arg140His; replaces arginine 140 with histidine.
Molecular consequence: missense variant.
Genome position (GRCh38, 1-based): chr17:47,221,787, G>A. VCF-style: chr17-47221787-G-A. GRCh37 (hg19) VCF-style: chr17-45299153-G-A.
Other names: c.419G>A, p.Arg140His (NM_001002841.2); short protein forms R140H.
Identifiers: ClinVar variation 476204 (VCV000476204.9), dbSNP rs374127769, ClinGen allele CA8622739.